The following is an entry in ClinVar:

NM_003816.3(ADAM9):c.946G>A (p.Ala316Thr)

Gene: ADAM9 (ADAM metallopeptidase domain 9; plus strand). Cytogenetic location: 8p11.22.
Variant type: single nucleotide variant.
Coding change: c.946G>A on transcript NM_003816.3 (MANE Select); coding-DNA position 946, G replaced by A.
Protein change: p.Ala316Thr; replaces alanine 316 with threonine.
Molecular consequence: missense variant. On other transcripts: non-coding transcript variant (3).
Genome position (GRCh38, 1-based): chr8:39,025,834, G>A. VCF-style: chr8-39025834-G-A. GRCh37 (hg19) VCF-style: chr8-38883353-G-A.
Other names: short protein forms A316T.
Identifiers: ClinVar variation 2003698 (VCV002003698.4), dbSNP rs2492008133, ClinGen allele CA370754432.

ClinVar aggregate classification (germline): Uncertain significance (1 of 4 stars; one submission).

Submission:

Labcorp Genetics (formerly Invitae), Labcorp
Classification: Uncertain significance. Last evaluated: 2022-06-08. Review status: criteria provided, single submitter. Criteria: Invitae Variant Classification Sherloc (09022015). Collection method: clinical testing. Allele origin: germline.
Comment: This variant is not present in population databases (gnomAD no frequency). In summary, the available evidence is currently insufficient to determine the role of this variant in disease. Therefore, it has been classified as a Variant of Uncertain Significance. Algorithms developed to predict the effect of missense changes on protein structure and function (SIFT, PolyPhen-2, Align-GVGD) all suggest that this variant is likely to be disruptive. This variant has not been reported in the literature in individuals affected with ADAM9-related conditions. This sequence change replaces alanine, which is neutral and non-polar, with threonine, which is neutral and polar, at codon 316 of the ADAM9 protein (p.Ala316Thr).